The following is an entry in ClinVar:

NM_000051.4(ATM):c.7230T>G (p.Phe2410Leu)

Genes: ATM (ATM serine/threonine kinase; plus strand), C11orf65 (chromosome 11 open reading frame 65; minus strand). Cytogenetic location: 11q22.3.
Variant type: single nucleotide variant.
Coding change: c.7230T>G on transcript NM_000051.4 (MANE Select); coding-DNA position 7230, T replaced by G.
Protein change: p.Phe2410Leu; replaces phenylalanine 2410 with leucine.
Molecular consequence: missense variant. On other transcripts: intron variant (2).
Genome position (GRCh38, 1-based): chr11:108,329,161, T>G. VCF-style: chr11-108329161-T-G. GRCh37 (hg19) VCF-style: chr11-108199888-T-G.
Other names: c.7230T>G, p.Phe2410Leu (NM_001351834.2); c.641-20090A>C (NM_001330368.2); c.*38+6059A>C (NM_001351110.2); short protein forms F2410L.
Identifiers: ClinVar variation 577621 (VCV000577621.11), dbSNP rs1565527030, ClinGen allele CA382559679.
Genomic context (GRCh38, chr11:108,329,161, plus strand): 5'-AGCCCGGTTTTCAGATACTCAATACCAAAGAATTGAAAACTACATGAAATCATCGGAATT[T>G]GAAAACAAGCAAGCTCTCCTGAAAAGAGCCAAAGAGGAAGTAGGTCTCCTTAGGGAACAT-3'
Protein context (NP_000042.3, residues 2400-2420): RIENYMKSSE[Phe2410Leu]ENKQALLKRA

ClinVar aggregate classification (germline): Uncertain significance. Review status: criteria provided, multiple submitters, no conflicts (2 of 4 stars). 2 submissions from 2 submitters: Uncertain significance (2). Last evaluated 2023-08-02.

Conditions:
Hereditary cancer-predisposing syndrome. Also called: Hereditary Cancer Syndrome; Neoplastic Syndromes, Hereditary; Tumor predisposition; Hereditary neoplastic syndrome. Identifiers: Orphanet 140162, MedGen C0027672, MeSH D009386, MONDO:0015356.
Ataxia-telangiectasia syndrome (AT). Also called: Cerebello-oculocutaneous telangiectasia; Immunodeficiency with ataxia telangiectasia; Ataxia-telangiectasia, complementation group E; Ataxia-telangiectasia, complementation group D; AT, COMPLEMENTATION GROUP C; ATAXIA-TELANGIECTASIA, COMPLEMENTATION GROUP A. Identifiers: Orphanet 100, MedGen C0004135, MONDO:0008840, OMIM 208900.

Submissions (2):

Labcorp Genetics (formerly Invitae), Labcorp
Classification: Uncertain significance for Ataxia-telangiectasia syndrome. Last evaluated: 2023-08-02. Review status: criteria provided, single submitter. Criteria: Invitae Variant Classification Sherloc (09022015). Collection method: clinical testing. Allele origin: germline.
Comment: This sequence change replaces phenylalanine, which is neutral and non-polar, with leucine, which is neutral and non-polar, at codon 2410 of the ATM protein (p.Phe2410Leu). This variant is not present in population databases (gnomAD no frequency). This variant has not been reported in the literature in individuals affected with ATM-related conditions. ClinVar contains an entry for this variant (Variation ID: 577621). An algorithm developed to predict the effect of missense changes on protein structure and function (PolyPhen-2) suggests that this variant is likely to be disruptive. In summary, the available evidence is currently insufficient to determine the role of this variant in disease. Therefore, it has been classified as a Variant of Uncertain Significance.

Ambry Genetics
Classification: Uncertain significance for Hereditary cancer-predisposing syndrome. Last evaluated: 2022-12-30. Review status: criteria provided, single submitter. Criteria: Ambry Variant Classification Scheme 2023. Collection method: clinical testing. Allele origin: germline.
Comment: The p.F2410L variant (also known as c.7230T>G), located in coding exon 48 of the ATM gene, results from a T to G substitution at nucleotide position 7230. The phenylalanine at codon 2410 is replaced by leucine, an amino acid with highly similar properties. This amino acid position is highly conserved in available vertebrate species. In addition, the in silico prediction for this alteration is inconclusive. Since supporting evidence is limited at this time, the clinical significance of this alteration remains unclear.